The following is an entry in ClinVar:

ClinVar aggregate classification (germline): Uncertain significance (1 of 4 stars; one submission).

Conditions:
Multiple endocrine neoplasia, type 2 (MEN2). Identifiers: Orphanet 653, MedGen C4048306, MONDO:0019003. Disease mechanism: gain of function.

Submission:

Color Diagnostics, LLC DBA Color Health
Classification: Uncertain significance for Multiple endocrine neoplasia, type 2. Last evaluated: 2025-08-25. Review status: criteria provided, single submitter. Criteria: ACMG Guidelines, 2015. Collection method: clinical testing. Allele origin: germline.
Comment: This missense variant replaces phenylalanine with valine at codon 154 of the RET protein. Computational prediction suggests that this variant may not impact protein structure and function. To our knowledge, functional studies have not been reported for this variant. This variant has not been reported in individuals affected with RET-related disorders in the literature. This variant has not been identified in the general population by the Genome Aggregation Database (gnomAD). The available evidence is insufficient to determine the role of this variant in disease conclusively. Therefore, this variant is classified as a Variant of Uncertain Significance.

NM_020975.6(RET):c.460T>G (p.Phe154Val)

Gene: RET (ret proto-oncogene; plus strand). Cytogenetic location: 10q11.21.
Variant type: single nucleotide variant.
Coding change: c.460T>G on transcript NM_020975.6 (MANE Select); coding-DNA position 460, T replaced by G.
Protein change: p.Phe154Val; replaces phenylalanine 154 with valine.
Molecular consequence: missense variant. On other transcripts: intron variant (22).
Genome position (GRCh38, 1-based): chr10:43,102,464, T>G. VCF-style: chr10-43102464-T-G. GRCh37 (hg19) VCF-style: chr10-43597912-T-G.
Other names: c.460T>G, p.Phe154Val (NM_001406743.1, NM_001406744.1, NM_001406759.1 and 14 more transcripts); c.338-7T>G (NM_001406764.1, NM_001406762.1, NM_001406761.1 and 4 more transcripts); c.337+1742T>G (NM_001406770.1, NM_001406766.1, NM_001406767.1 and 8 more transcripts); c.74-6567T>G (NM_001406784.1); c.74-9635T>G (NM_001406794.1, NM_001406792.1, NM_001406793.1); short protein forms F154V.
Identifiers: ClinVar variation 4757918 (VCV004757918.1).